The following is an entry in ClinVar:

NM_000834.5(GRIN2B):c.167A>C (p.Lys56Thr)

Gene: GRIN2B (glutamate ionotropic receptor NMDA type subunit 2B; minus strand). Cytogenetic location: 12p13.1.
Variant type: single nucleotide variant.
Coding change: c.167A>C on transcript NM_000834.5 (MANE Select); coding-DNA position 167, A replaced by C.
Protein change: p.Lys56Thr; replaces lysine 56 with threonine.
Molecular consequence: missense variant.
Genome position (GRCh38, 1-based): chr12:13,866,042, T>G on the plus strand (A>C on the coding strand, the complement: GRIN2B is on the minus strand). VCF-style: chr12-13866042-T-G. GRCh37 (hg19) VCF-style: chr12-14018976-T-G.
Other names: c.167A>C, p.Lys56Thr (NM_001413992.1, NM_001413993.1, NM_001413994.1 and 1 more transcripts); short protein forms K56T.
Identifiers: ClinVar variation 3755999 (VCV003755999.2).
Genomic context (GRCh38, chr12:13,866,042, plus strand): 5'-GTCTCATTCATGGCTACCAGTTCCACCCGGGGTACCACGGAGAGATGGTGGAAATCATCT[T>G]TCTCGTGGGCATCCTTGATGGCCACCTCGTCGGAAGTGCCCACGAGGATGACAGCAATGC-3'
Protein context (NP_000825.2, residues 46-66): DEVAIKDAHE[Lys56Thr]DDFHHLSVVP

ClinVar aggregate classification (germline): Uncertain significance (1 of 4 stars; one submission).

Conditions:
Developmental and epileptic encephalopathy, 27 (DEE27). Also called: Epileptic encephalopathy, early infantile, 27; GRIN2B-Related Neurodevelopmental Disorder. Identifiers: Orphanet 3451, MedGen C4015316, MONDO:0014505, OMIM 616139.
Intellectual developmental disorder, autosomal dominant 6, with or without seizures. Also called: Intellectual disability, autosomal dominant 6; GRIN2B-related developmental delay, intellectual disability and autism spectrum disorder. Identifiers: Orphanet 589547, MedGen C3151411, MONDO:0013509, OMIM 613970.

Submission:

Labcorp Genetics (formerly Invitae), Labcorp
Classification: Uncertain significance for Developmental and epileptic encephalopathy, 27; Intellectual developmental disorder, autosomal dominant 6, with or without seizures. Last evaluated: 2025-07-28. Review status: criteria provided, single submitter. Criteria: Invitae Variant Classification Sherloc (09022015). Collection method: clinical testing. Allele origin: germline.
Comment: This sequence change replaces lysine, which is basic and polar, with threonine, which is neutral and polar, at codon 56 of the GRIN2B protein (p.Lys56Thr). This variant is not present in population databases (gnomAD no frequency). This variant has not been reported in the literature in individuals affected with GRIN2B-related conditions. ClinVar contains an entry for this variant (Variation ID: 3755999). Invitae Evidence Modeling of protein sequence and biophysical properties (such as structural, functional, and spatial information, amino acid conservation, physicochemical variation, residue mobility, and thermodynamic stability) indicates that this missense variant is not expected to disrupt GRIN2B protein function with a negative predictive value of 95%. In summary, the available evidence is currently insufficient to determine the role of this variant in disease. Therefore, it has been classified as a Variant of Uncertain Significance.